The following is an entry in ClinVar:

ClinVar aggregate classification (germline): Pathogenic/Likely pathogenic. Review status: criteria provided, multiple submitters, no conflicts (2 of 4 stars). 3 submissions from 3 submitters: Pathogenic (1); Likely pathogenic (2). Last evaluated 2026-07-30.

Conditions:
Autosomal recessive limb-girdle muscular dystrophy type 2E (LGMDR4). Also called: MUSCULAR DYSTROPHY, LIMB-GIRDLE, AUTOSOMAL RECESSIVE 4. Identifiers: Orphanet 119, MedGen C1858593, MONDO:0011423, OMIM 604286. Disease mechanism: Affects gamma-sarcoglycan and also disrupts the integrity of the entire sarcoglycan complex..

Allele frequency attached by ClinVar (database versions not stated): gnomAD exomes below 0.00001; TOPMed below 0.00001; gnomAD 0.00001.
gnomAD v4.1: 2 of 1,277,968 alleles (0.00016%); highest among the groups gnomAD compares: Non-Finnish European, 0.0002%; no homozygotes.

Submissions (3):

Department of Human Genetics, Hannover Medical School
Classification: Likely pathogenic for Autosomal recessive limb-girdle muscular dystrophy type 2E. Last evaluated: 2026-07-30. Review status: criteria provided, single submitter. Criteria: ACMG Guidelines, 2015. Collection method: clinical testing. Allele origin: germline. Affected: yes.
Comment: ACMG/ClinGen SGCB VCEP: PVS1_Moderate, PM2_Supporting, PM3, PP4 (internal data, PMID:25862795)

Natera, Inc.
Classification: Pathogenic for Limb-girdle muscular dystrophy type 2E. Last evaluated: 2025-05-16. Review status: criteria provided, single submitter. Criteria: Natera Variant Classification Schema (03/2026). Collection method: clinical testing. Allele origin: germline.
Comment: The c.33+1G>C variant in SGCB is a canonical splice donor site variant predicted to affect pre-mRNA splicing, which may result in an abnormal transcript and altered protein product. This variant is expected to result in nonsense mediated decay, truncation, or a dysfunctional protein product. This variant is rare in the general population with a frequency below the threshold expected for the associated phenotype(s). This variant has been observed in one or more individuals affected with the associated recessive disease, as either homozygous or compound heterozygous with a second variant (PMID: 25862795). Given the available evidence, this variant is classified as Pathogenic.

Labcorp Genetics (formerly Invitae), Labcorp
Classification: Likely pathogenic for Autosomal recessive limb-girdle muscular dystrophy type 2E. Last evaluated: 2024-02-07. Review status: criteria provided, single submitter. Criteria: Invitae Variant Classification Sherloc (09022015). Collection method: clinical testing. Allele origin: germline.
Comment: This sequence change affects a donor splice site in intron 1 of the SGCB gene. It is expected to disrupt RNA splicing. Variants that disrupt the donor or acceptor splice site typically lead to a loss of protein function (PMID: 16199547), and loss-of-function variants in SGCB are known to be pathogenic (PMID: 15938573, 18285821). This variant is not present in population databases (gnomAD no frequency). Disruption of this splice site has been observed in individual(s) with limb-girdle muscular dystrophy (PMID: 25862795). ClinVar contains an entry for this variant (Variation ID: 837812). Algorithms developed to predict the effect of sequence changes on RNA splicing suggest that this variant may disrupt the consensus splice site. In summary, the currently available evidence indicates that the variant is pathogenic, but additional data are needed to prove that conclusively. Therefore, this variant has been classified as Likely Pathogenic.

Literature cited by the submitters: PubMed 25862795 (cited by Natera, Inc. and Labcorp Genetics (formerly Invitae), Labcorp); PubMed 16199547 (cited by Labcorp Genetics (formerly Invitae), Labcorp); PubMed 15938573 (cited by Labcorp Genetics (formerly Invitae), Labcorp); PubMed 18285821 (cited by Labcorp Genetics (formerly Invitae), Labcorp).

NM_000232.5(SGCB):c.33+1G>C

Genes: SGCB (sarcoglycan beta; minus strand), LOC129992585 (ATAC-STARR-seq lymphoblastoid silent region 15421; plus strand). Cytogenetic location: 4q12.
Variant type: single nucleotide variant.
Coding change: c.33+1G>C on transcript NM_000232.5 (MANE Select); the canonical splice donor site of the intron after coding-DNA position 33, G replaced by C.
Molecular consequence: splice donor variant.
Genome position (GRCh38, 1-based): chr4:52,038,226, C>G on the plus strand (G>C on the coding strand, the complement: SGCB is on the minus strand). VCF-style: chr4-52038226-C-G. GRCh37 (hg19) VCF-style: chr4-52904392-C-G.
Identifiers: ClinVar variation 837812 (VCV000837812.13), dbSNP rs1553940957, ClinGen allele CA356878666.